The following is an entry in ClinVar:

ClinVar aggregate classification (germline): Uncertain significance (1 of 4 stars; one submission).

Conditions:
Beckwith-Wiedemann syndrome (BWS). Also called: Exomphalos macroglossia gigantism syndrome; EMG SYNDROME. Identifiers: Orphanet 116, MedGen C0004903, MONDO:0007534, OMIM 130650.

Allele frequency attached by ClinVar (database versions not stated): gnomAD 0.00001; gnomAD exomes 0.00001; TOPMed 0.00001.

Submission:

Labcorp Genetics (formerly Invitae), Labcorp
Classification: Uncertain significance for Beckwith-Wiedemann syndrome. Last evaluated: 2023-09-17. Review status: criteria provided, single submitter. Criteria: Invitae Variant Classification Sherloc (09022015). Collection method: clinical testing. Allele origin: germline.
Comment: This sequence change replaces valine, which is neutral and non-polar, with isoleucine, which is neutral and non-polar, at codon 291 of the CDKN1C protein (p.Val291Ile). In summary, the available evidence is currently insufficient to determine the role of this variant in disease. Therefore, it has been classified as a Variant of Uncertain Significance. Advanced modeling of protein sequence and biophysical properties (such as structural, functional, and spatial information, amino acid conservation, physicochemical variation, residue mobility, and thermodynamic stability) has been performed at Invitae for this missense variant, however the output from this modeling did not meet the statistical confidence thresholds required to predict the impact of this variant on CDKN1C protein function. ClinVar contains an entry for this variant (Variation ID: 1054589). This variant has not been reported in the literature in individuals affected with CDKN1C-related conditions. The frequency data for this variant in the population databases is considered unreliable, as metrics indicate poor data quality at this position in the gnomAD database.

NM_001122630.2(CDKN1C):c.838G>A (p.Val280Ile)

Gene: CDKN1C (cyclin dependent kinase inhibitor 1C; minus strand). Cytogenetic location: 11p15.4.
Variant type: single nucleotide variant.
Coding change: c.838G>A on transcript NM_001122630.2 (MANE Select); coding-DNA position 838, G replaced by A.
Protein change: p.Val280Ile; replaces valine 280 with isoleucine.
Molecular consequence: missense variant.
Genome position (GRCh38, 1-based): chr11:2,884,084, C>T on the plus strand (G>A on the coding strand, the complement: CDKN1C is on the minus strand). VCF-style: chr11-2884084-C-T. GRCh37 (hg19) VCF-style: chr11-2905314-C-T.
Other names: c.871G>A, p.Val291Ile (NM_000076.2, NM_001362474.2); c.838G>A, p.Val280Ile (NM_001122631.2); c.306G>A, p.Met102Ile (NM_001362475.2); short protein forms M102I, V280I, V291I.
Identifiers: ClinVar variation 1054589 (VCV001054589.9), dbSNP rs1166638899, ClinGen allele CA379144952.
Genomic context (GRCh38, chr11:2,884,084, plus strand): 5'-GGGTCTGCTCCACCGAGCCCACGCCAGGGGCGGCGCTTGGAGAGGGACACGGCGCGGGGA[C>T]ATCGCCCGACGACTTCTCAGGCGCTGATCTCTTGCGCTTGGCGAAGAAATCTGCGGGCGA-3'
Protein context (NP_001116102.1, residues 270-290): RSAPEKSSGD[Val280Ile]PAPCPSPSAA